The following is an entry in ClinVar:

NM_001379403.1(WDR26):c.1718G>A (p.Cys573Tyr)

Gene: WDR26 (WD repeat domain 26; minus strand). Cytogenetic location: 1q42.12.
Variant type: single nucleotide variant.
Coding change: c.1718G>A on transcript NM_001379403.1 (MANE Select); coding-DNA position 1718, G replaced by A.
Protein change: p.Cys573Tyr; replaces cysteine 573 with tyrosine.
Molecular consequence: missense variant.
Genome position (GRCh38, 1-based): chr1:224,400,951, C>T on the plus strand (G>A on the coding strand, the complement: WDR26 is on the minus strand). VCF-style: chr1-224400951-C-T. GRCh37 (hg19) VCF-style: chr1-224588653-C-T.
Other names: c.1370G>A, p.Cys457Tyr (NM_001115113.3); c.1418G>A, p.Cys473Tyr (NM_025160.7); short protein forms C457Y, C473Y, C573Y.
Identifiers: ClinVar variation 3369291 (VCV003369291.2).

ClinVar aggregate classification (germline): Uncertain significance (1 of 4 stars; one submission).

Submission:

GeneDx
Classification: Uncertain significance. Last evaluated: 2025-05-20. Review status: criteria provided, single submitter. Criteria: GeneDx Variant Classification Process June 2021. Collection method: clinical testing. Allele origin: germline.
Comment: Has not been previously published as pathogenic or benign to our knowledge; Not observed at significant frequency in large population cohorts (gnomAD); In silico analysis supports that this missense variant has a deleterious effect on protein structure/function; In silico analysis suggests this variant may impact gene splicing. In the absence of RNA/functional studies, the actual effect of this sequence change is unknown.